The following is an entry in ClinVar:

ClinVar aggregate classification (germline): Uncertain significance (1 of 4 stars; one submission).

Allele frequency attached by ClinVar (database versions not stated): gnomAD exomes 0.00001.
gnomAD v4.1: 7 of 1,612,042 alleles (0.00043%); highest among the groups gnomAD compares: South Asian, 0.0077%; no homozygotes.

Submission:

Labcorp Genetics (formerly Invitae), Labcorp
Classification: Uncertain significance. Last evaluated: 2022-12-16. Review status: criteria provided, single submitter. Criteria: Invitae Variant Classification Sherloc (09022015). Collection method: clinical testing. Allele origin: germline.
Comment: In summary, the available evidence is currently insufficient to determine the role of this variant in disease. Therefore, it has been classified as a Variant of Uncertain Significance. Advanced modeling of protein sequence and biophysical properties (such as structural, functional, and spatial information, amino acid conservation, physicochemical variation, residue mobility, and thermodynamic stability) performed at Invitae indicates that this missense variant is not expected to disrupt TFRC protein function. This variant has not been reported in the literature in individuals affected with TFRC-related conditions. This variant is present in population databases (no rsID available, gnomAD 0.003%). This sequence change replaces serine, which is neutral and polar, with asparagine, which is neutral and polar, at codon 273 of the TFRC protein (p.Ser273Asn).

NM_001128148.3(TFRC):c.818G>A (p.Ser273Asn)

Gene: TFRC (transferrin receptor; minus strand). Cytogenetic location: 3q29.
Variant type: single nucleotide variant.
Coding change: c.818G>A on transcript NM_001128148.3 (MANE Select); coding-DNA position 818, G replaced by A.
Protein change: p.Ser273Asn; replaces serine 273 with asparagine.
Molecular consequence: missense variant. On other transcripts: 5 prime UTR variant (1).
Genome position (GRCh38, 1-based): chr3:196,068,114, C>T on the plus strand (G>A on the coding strand, the complement: TFRC is on the minus strand). VCF-style: chr3-196068114-C-T. GRCh37 (hg19) VCF-style: chr3-195794985-C-T.
Other names: c.575G>A, p.Ser192Asn (NM_001313965.2); c.-29G>A (NM_001313966.2); c.818G>A, p.Ser273Asn (NM_003234.4); short protein forms S192N, S273N.
Identifiers: ClinVar variation 2821337 (VCV002821337.3), dbSNP rs1560081478, ClinGen allele CA355574206.
Genomic context (GRCh38, chr3:196,068,114, plus strand): 5'-GCGTTAACAATGGGAAATTTAGTCTGGTCCATGTATATCAACACACCAATTGCATTTAAG[C>T]TTTCAGCATTTGCAACCTAAAAGAAAACATATAAAGCTCAGAAAATGAAGATCTGATCAT-3'
Protein context (NP_001121620.1, residues 263-283): TFAEKVANAE[Ser273Asn]LNAIGVLIYM